The following is an entry in ClinVar:

NM_001267550.2(TTN):c.16460A>G (p.Asn5487Ser)

Gene: TTN (titin; minus strand). Cytogenetic location: 2q31.2.
Variant type: single nucleotide variant.
Coding change: c.16460A>G on transcript NM_001267550.2 (MANE Select); coding-DNA position 16460, A replaced by G.
Protein change: p.Asn5487Ser; replaces asparagine 5487 with serine.
Molecular consequence: missense variant. On other transcripts: intron variant (3).
Genome position (GRCh38, 1-based): chr2:178,732,601, T>C on the plus strand (A>G on the coding strand, the complement: TTN is on the minus strand). VCF-style: chr2-178732601-T-C. GRCh37 (hg19) VCF-style: chr2-179597328-T-C.
Other names: c.15509A>G, p.Asn5170Ser (NM_001256850.1); c.12728A>G, p.Asn4243Ser (NM_133378.4); c.13282+5481A>G (NM_003319.4); c.13858+5481A>G (NM_133437.4); c.13657+5481A>G (NM_133432.3); short protein forms N5170S, N4243S, N5487S.
Identifiers: ClinVar variation 4978472 (VCV004978472.1).

ClinVar aggregate classification (germline): Uncertain significance (1 of 4 stars; one submission).

Conditions:
TTN-related disorder. Also called: TTN-related condition; TTN-related disease; TTN-related disorders.

gnomAD v4.1: 3 of 1,613,574 alleles (0.00019%); highest among the groups gnomAD compares: Admixed American, 0.0033%; no homozygotes.

Submission:

PreventionGenetics, part of Exact Sciences
Classification: Uncertain significance for TTN-related condition. Last evaluated: 2026-05-15. Review status: criteria provided, single submitter. Criteria: ACMG Guidelines, 2015. Collection method: clinical testing. Allele origin: germline.
Comment: The TTN c.16460A>G variant is predicted to result in the amino acid substitution p.Asn5487Ser. To our knowledge, this variant has not been reported in the literature or in a large population database (gnomAD), indicating this variant is rare. At this time, the clinical significance of this variant is uncertain due to the absence of conclusive functional and genetic evidence.